The following is an entry in ClinVar:

ClinVar aggregate classification (germline): Uncertain significance (1 of 4 stars; one submission).

Submission:

Labcorp Genetics (formerly Invitae), Labcorp
Classification: Uncertain significance. Last evaluated: 2022-02-04. Review status: criteria provided, single submitter. Criteria: Invitae Variant Classification Sherloc (09022015). Collection method: clinical testing. Allele origin: germline.
Comment: This variant is not present in population databases (gnomAD no frequency). This variant has not been reported in the literature in individuals affected with PCLO-related conditions. Algorithms developed to predict the effect of missense changes on protein structure and function are either unavailable or do not agree on the potential impact of this missense change (SIFT: "Deleterious"; PolyPhen-2: "Not Available"; Align-GVGD: "Class C0"). In summary, the available evidence is currently insufficient to determine the role of this variant in disease. Therefore, it has been classified as a Variant of Uncertain Significance. This sequence change replaces proline, which is neutral and non-polar, with threonine, which is neutral and polar, at codon 3942 of the PCLO protein (p.Pro3942Thr).

NM_033026.6(PCLO):c.11824C>A (p.Pro3942Thr)

Gene: PCLO (piccolo presynaptic cytomatrix protein; minus strand). Cytogenetic location: 7q21.11.
Variant type: single nucleotide variant.
Coding change: c.11824C>A on transcript NM_033026.6 (MANE Select); coding-DNA position 11824, C replaced by A.
Protein change: p.Pro3942Thr; replaces proline 3942 with threonine.
Molecular consequence: missense variant.
Genome position (GRCh38, 1-based): chr7:82,916,162, G>T on the plus strand (C>A on the coding strand, the complement: PCLO is on the minus strand). VCF-style: chr7-82916162-G-T. GRCh37 (hg19) VCF-style: chr7-82545478-G-T.
Other names: c.11824C>A, p.Pro3942Thr (NM_014510.3); short protein forms P3942T.
Identifiers: ClinVar variation 1366673 (VCV001366673.8), dbSNP rs1220597324, ClinGen allele CA367892896.